The following is an entry in ClinVar:

NM_015192.4(PLCB1):c.1679-29C>T

Gene: PLCB1 (phospholipase C beta 1; plus strand). Cytogenetic location: 20p12.3.
Variant type: single nucleotide variant.
Coding change: c.1679-29C>T on transcript NM_015192.4 (MANE Select); 29 bases into the intron before coding-DNA position 1679, C replaced by T.
Molecular consequence: intron variant.
Genome position (GRCh38, 1-based): chr20:8,727,280, C>T. VCF-style: chr20-8727280-C-T. GRCh37 (hg19) VCF-style: chr20-8707927-C-T.
Other names: c.1679-29C>T (NM_182734.3).
Identifiers: ClinVar variation 1239828 (VCV001239828.8), dbSNP rs1015170, ClinGen allele CA9760040.

ClinVar aggregate classification (germline): Benign. Review status: criteria provided, multiple submitters, no conflicts (2 of 4 stars). 4 submissions from 4 submitters: Benign (4). Last evaluated 2024-07-15.

Conditions:
Developmental and epileptic encephalopathy, 12 (DEE12). Identifiers: MedGen C3150988, MONDO:0013389, OMIM 613722.

Allele frequency attached by ClinVar (database versions not stated): ESP Exome Variant Server 0.32331; gnomAD 0.38615 and 0.39324; TOPMed 0.40046; gnomAD exomes 0.40983 and 0.43921; ExAC 0.45216; 1000 Genomes Project 30x 0.47205; 1000 Genomes Project 0.47644.
gnomAD v4.1: 484,412 of 1,189,328 alleles (41%); highest among the groups gnomAD compares: East Asian, 77%; 103,715 homozygotes.

Submissions (4):

Unidad de Genómica Garrahan, Hospital de Pediatría Garrahan
Classification: Benign. Last evaluated: 2024-07-15. Review status: criteria provided, single submitter. Criteria: ACMG Guidelines, 2015. Collection method: clinical testing. Allele origin: germline. Affected: no. Observed: 72 variant alleles.
Comment: This variant is classified as Benign based on local population frequency. This variant was detected in 77% of patients studied in a panel designed for Epileptic and Developmental Encephalopathy and Progressive Myoclonus Epilepsy. Number of patients: 72. Only high quality variants are reported.

Genome-Nilou Lab
Classification: Benign for Developmental and epileptic encephalopathy, 12. Last evaluated: 2021-09-05. Review status: criteria provided, single submitter. Criteria: ACMG Guidelines, 2015. Collection method: clinical testing. Allele origin: germline. Affected: no.

GeneDx
Classification: Benign. Last evaluated: 2020-11-20. Review status: criteria provided, single submitter. Criteria: GeneDx Variant Classification Process June 2021. Collection method: clinical testing. Allele origin: germline. Affected: yes.

Breakthrough Genomics
Classification: Benign. Review status: criteria provided, single submitter. Criteria: ACMG Guidelines, 2015. Collection method: not provided. Allele origin: germline. Inheritance: Autosomal recessive inheritance. Affected: yes.